The following is an entry in ClinVar:

ClinVar aggregate classification (germline): Conflicting classifications of pathogenicity. Review status: criteria provided, conflicting classifications (1 of 4 stars). 5 submissions from 5 submitters: Uncertain significance (1); Benign (3). 1 of the submissions does not count toward it. Last evaluated 2026-01-02.

Conditions:
MYO15A-related disorder. Also called: MYO15A-related condition.
Autosomal recessive nonsyndromic hearing loss 3. Also called: NEUROSENSORY NONSYNDROMIC RECESSIVE DEAFNESS 3. Identifiers: Orphanet 90636, MedGen C1838263, MONDO:0010860, OMIM 600316.

Allele frequency attached by ClinVar (database versions not stated): gnomAD 0.00039 and 0.00050; TOPMed 0.00051; ExAC 0.00085; gnomAD exomes 0.00096; 1000 Genomes Project 30x 0.00265; 1000 Genomes Project 0.00319.
gnomAD v4.1: 390 of 1,607,292 alleles (0.024%); highest among the groups gnomAD compares: East Asian, 0.65%; 3 homozygotes.

Submissions (5):

Labcorp Genetics (formerly Invitae), Labcorp
Classification: Benign. Last evaluated: 2026-01-02. Review status: criteria provided, single submitter. Criteria: Invitae Variant Classification Sherloc (09022015). Collection method: clinical testing. Allele origin: germline.

GeneDx
Classification: Benign. Last evaluated: 2019-10-08. Review status: criteria provided, single submitter. Criteria: GeneDx Variant Classification Process June 2021. Collection method: clinical testing. Allele origin: germline. Affected: yes.

Illumina Laboratory Services, Illumina
Classification: Uncertain significance for Autosomal recessive nonsyndromic hearing loss 3. Last evaluated: 2018-01-12. Review status: criteria provided, single submitter. Criteria: ICSL Variant Classification Criteria 13 December 2019. Collection method: clinical testing. Allele origin: germline.

Laboratory for Molecular Medicine, Mass General Brigham Personalized Medicine
Classification: Benign. Last evaluated: 2015-05-07. Review status: criteria provided, single submitter. Criteria: LMM Criteria. Collection method: clinical testing. Allele origin: germline. Observed: 1 variant allele.
Comment: p.Pro292Pro in exon 2 of MYO15A: This variant is not expected to have clinical s ignificance because it has been identified in 1.1% (95/8438) of East Asian chrom osomes by the Exome Aggregation Consortium (ExAC ; dbSNP rs368755362).

PreventionGenetics, part of Exact Sciences
Classification: Benign for MYO15A-related condition. Last evaluated: 2024-06-18. Review status: no assertion criteria provided. Collection method: clinical testing. Allele origin: germline. Not counted in ClinVar's aggregate classification.
Comment: This variant is classified as benign based on ACMG/AMP sequence variant interpretation guidelines (Richards et al. 2015 PMID: 25741868, with internal and published modifications).

NM_016239.4(MYO15A):c.876C>T (p.Pro292=)

Gene: MYO15A (myosin XVA; plus strand). Cytogenetic location: 17p11.2.
Variant type: single nucleotide variant.
Coding change: c.876C>T on transcript NM_016239.4 (MANE Select); coding-DNA position 876, C replaced by T.
Protein change: p.Pro292=; no amino-acid change (proline 292 retained).
Molecular consequence: synonymous variant.
Genome position (GRCh38, 1-based): chr17:18,119,676, C>T. VCF-style: chr17-18119676-C-T. GRCh37 (hg19) VCF-style: chr17-18022990-C-T.
Identifiers: ClinVar variation 226791 (VCV000226791.17), dbSNP rs368755362, ClinGen allele CA8422959.